The following is an entry in ClinVar:

NM_001277115.2(DNAH11):c.3685G>A (p.Ala1229Thr)

Gene: DNAH11 (dynein axonemal heavy chain 11; plus strand). Cytogenetic location: 7p15.3.
Variant type: single nucleotide variant.
Coding change: c.3685G>A on transcript NM_001277115.2 (MANE Select); coding-DNA position 3685, G replaced by A.
Protein change: p.Ala1229Thr; replaces alanine 1229 with threonine.
Molecular consequence: missense variant.
Genome position (GRCh38, 1-based): chr7:21,606,462, G>A. VCF-style: chr7-21606462-G-A. GRCh37 (hg19) VCF-style: chr7-21646080-G-A.
Other names: p.Ala1229Thr; c.3685G>A, p.Ala1229Thr (NM_003777.3); short protein forms A1229T.
Identifiers: ClinVar variation 2083022 (VCV002083022.8), dbSNP rs150717084, ClinGen allele CA4179710.

ClinVar aggregate classification (germline): Conflicting classifications of pathogenicity. Review status: criteria provided, conflicting classifications (1 of 4 stars). 5 submissions from 5 submitters: Uncertain significance (3); Benign (1). 1 of the submissions does not count toward it. Last evaluated 2025-09-24.

Conditions:
DNAH11-related disorder. Also called: DNAH11-related condition.
Primary ciliary dyskinesia. Also called: Ciliary dyskinesia. Identifiers: Orphanet 244, MedGen C0008780, MONDO:0016575, HP:0012265.

Allele frequency attached by ClinVar (database versions not stated): ExAC 0.00006; TOPMed 0.00007; ESP Exome Variant Server 0.00008; 1000 Genomes Project 30x 0.00016; 1000 Genomes Project 0.00020.

Submissions (5):

Ambry Genetics
Classification: Uncertain significance for Primary ciliary dyskinesia. Last evaluated: 2025-09-24. Review status: criteria provided, single submitter. Criteria: Ambry Variant Classification Scheme 2023. Collection method: clinical testing. Allele origin: germline.

Labcorp Genetics (formerly Invitae), Labcorp
Classification: Benign for Primary ciliary dyskinesia. Last evaluated: 2025-03-24. Review status: criteria provided, single submitter. Criteria: Invitae Variant Classification Sherloc (09022015). Collection method: clinical testing. Allele origin: germline.

Blueprint Genetics
Classification: Uncertain significance. Last evaluated: 2023-10-27. Review status: criteria provided, single submitter. Criteria: ACMG Guidelines, 2015. Collection method: clinical testing. Allele origin: germline.

Mayo Clinic Laboratories, Mayo Clinic
Classification: Uncertain significance. Last evaluated: 2023-04-25. Review status: criteria provided, single submitter. Criteria: ACMG Guidelines, 2015. Collection method: clinical testing. Allele origin: germline. Observed: 1 variant allele.

PreventionGenetics, part of Exact Sciences
Classification: Uncertain significance for DNAH11-related condition. Last evaluated: 2024-08-19. Review status: no assertion criteria provided. Collection method: clinical testing. Allele origin: germline. Not counted in ClinVar's aggregate classification.
Comment: The DNAH11 c.3685G>A variant is predicted to result in the amino acid substitution p.Ala1229Thr. To our knowledge, this variant has not been reported in the literature. This variant is reported in 0.022% of alleles in individuals of South Asian descent in gnomAD. At this time, the clinical significance of this variant is uncertain due to the absence of conclusive functional and genetic evidence.